The following is an entry in ClinVar:

NM_024675.4(PALB2):c.626C>T (p.Ser209Phe)

Gene: PALB2 (partner and localizer of BRCA2; minus strand). Cytogenetic location: 16p12.2.
Variant type: single nucleotide variant.
Coding change: c.626C>T on transcript NM_024675.4 (MANE Select); coding-DNA position 626, C replaced by T.
Protein change: p.Ser209Phe; replaces serine 209 with phenylalanine.
Molecular consequence: missense variant.
Genome position (GRCh38, 1-based): chr16:23,635,920, G>A on the plus strand (C>T on the coding strand, the complement: PALB2 is on the minus strand). VCF-style: chr16-23635920-G-A. GRCh37 (hg19) VCF-style: chr16-23647241-G-A.
Other names: short protein forms S209F.
Identifiers: ClinVar variation 578550 (VCV000578550.16), dbSNP rs1567222610, ClinGen allele CA395136592.

ClinVar aggregate classification (germline): Uncertain significance. Review status: criteria provided, multiple submitters, no conflicts (2 of 4 stars). 3 submissions from 3 submitters: Uncertain significance (3). Last evaluated 2024-12-23.

Conditions:
Hereditary cancer-predisposing syndrome. Also called: Neoplastic Syndromes, Hereditary; Tumor predisposition; Hereditary neoplastic syndrome; Hereditary Cancer Syndrome. Identifiers: Orphanet 140162, MedGen C0027672, MeSH D009386, MONDO:0015356.
Familial cancer of breast. Also called: BREAST CANCER, FAMILIAL; hereditary breast carcinoma; Hereditary breast cancer. Identifiers: Orphanet 227535, MedGen C0346153, MONDO:0016419, OMIM 114480. Disease mechanism: loss of function.

Allele frequency attached by ClinVar (database versions not stated): gnomAD exomes 0.00001.

Submissions (3):

Labcorp Genetics (formerly Invitae), Labcorp
Classification: Uncertain significance for Familial cancer of breast. Last evaluated: 2024-12-23. Review status: criteria provided, single submitter. Criteria: Invitae Variant Classification Sherloc (09022015). Collection method: clinical testing. Allele origin: germline.
Comment: This sequence change replaces serine, which is neutral and polar, with phenylalanine, which is neutral and non-polar, at codon 209 of the PALB2 protein (p.Ser209Phe). This variant is not present in population databases (gnomAD no frequency). This variant has not been reported in the literature in individuals affected with PALB2-related conditions. ClinVar contains an entry for this variant (Variation ID: 578550). An algorithm developed to predict the effect of missense changes on protein structure and function outputs the following: PolyPhen-2: "Benign". The phenylalanine amino acid residue is found in multiple mammalian species, which suggests that this missense change does not adversely affect protein function. In summary, the available evidence is currently insufficient to determine the role of this variant in disease. Therefore, it has been classified as a Variant of Uncertain Significance.

Color Diagnostics, LLC DBA Color Health
Classification: Uncertain significance for Hereditary cancer-predisposing syndrome. Last evaluated: 2024-03-06. Review status: criteria provided, single submitter. Criteria: ACMG Guidelines, 2015. Collection method: clinical testing. Allele origin: germline.
Comment: This missense variant replaces serine with phenylalanine at codon 209 of the PALB2 protein. Computational prediction tool suggests that this variant may not impact protein structure and function (internally defined REVEL score threshold <=0.5, PMID: 27666373). Splice site prediction tools suggest that this variant may not impact RNA splicing. To our knowledge, functional studies have not been performed for this variant. This variant has not been reported in individuals affected with hereditary cancer in the literature. This variant has not been identified in the general population by the Genome Aggregation Database (gnomAD). The available evidence is insufficient to determine the role of this variant in disease conclusively. Therefore, this variant is classified as a Variant of Uncertain Significance.

Ambry Genetics
Classification: Uncertain significance for Hereditary cancer-predisposing syndrome. Last evaluated: 2021-12-27. Review status: criteria provided, single submitter. Criteria: Ambry Variant Classification Scheme 2023. Collection method: clinical testing. Allele origin: germline.
Comment: The p.S209F variant (also known as c.626C>T), located in coding exon 4 of the PALB2 gene, results from a C to T substitution at nucleotide position 626. The serine at codon 209 is replaced by phenylalanine, an amino acid with highly dissimilar properties. This amino acid position is conserved. In addition, this alteration is predicted to be tolerated by in silico analysis. Since supporting evidence is limited at this time, the clinical significance of this alteration remains unclear.